The following is an entry in ClinVar:

NM_020207.7(ERCC6L2):c.2395C>T (p.Leu799Phe)

Gene: ERCC6L2 (ERCC excision repair 6 like 2; plus strand). Cytogenetic location: 9q22.32.
Variant type: single nucleotide variant.
Coding change: c.2395C>T on transcript NM_020207.7 (MANE Select); coding-DNA position 2395, C replaced by T.
Protein change: p.Leu799Phe; replaces leucine 799 with phenylalanine.
Molecular consequence: missense variant. On other transcripts: non-coding transcript variant (1).
Genome position (GRCh38, 1-based): chr9:95,972,146, C>T. VCF-style: chr9-95972146-C-T. GRCh37 (hg19) VCF-style: chr9-98734428-C-T.
Other names: c.2395C>T, p.Leu799Phe (NM_001375291.1, NM_001375292.1, NM_001375293.1 and 1 more transcripts); short protein forms L799F.
Identifiers: ClinVar variation 1357936 (VCV001357936.6), dbSNP rs1588002121, ClinGen allele CA1865839551.

ClinVar aggregate classification (germline): Uncertain significance (1 of 4 stars; one submission).

Submission:

Labcorp Genetics (formerly Invitae), Labcorp
Classification: Uncertain significance. Last evaluated: 2021-12-07. Review status: criteria provided, single submitter. Criteria: Invitae Variant Classification Sherloc (09022015). Collection method: clinical testing. Allele origin: germline.
Comment: In summary, the available evidence is currently insufficient to determine the role of this variant in disease. Therefore, it has been classified as a Variant of Uncertain Significance. Algorithms developed to predict the effect of missense changes on protein structure and function are either unavailable or do not agree on the potential impact of this missense change (SIFT: "Tolerated"; PolyPhen-2: "Not Available"; Align-GVGD: "Class C0"). This variant has not been reported in the literature in individuals affected with ERCC6L2-related conditions. This variant is not present in population databases (gnomAD no frequency). This sequence change replaces leucine, which is neutral and non-polar, with phenylalanine, which is neutral and non-polar, at codon 810 of the ERCC6L2 protein (p.Leu810Phe).